The following is an entry in ClinVar:

ClinVar aggregate classification (germline): Conflicting classifications of pathogenicity. Review status: criteria provided, conflicting classifications (1 of 4 stars). 2 submissions from 1 submitter: Uncertain significance (1); Benign (1). Last evaluated 2018-01-13.

Conditions:
Liddle syndrome 2. Identifiers: MedGen C4748251, MONDO:0020854, OMIM 618114.
Pseudohypoaldosteronism, type IB1, autosomal recessive. Also called: Pseudohypoaldosteronism, Type I, Autosomal Recessive; PHA I, AUTOSOMAL RECESSIVE; Pseudohypoaldosteronism, Type I, Recessive; Autosomal recessive pseudohypoaldosteronism type 1. Identifiers: Orphanet 171876, Orphanet 756, MedGen C5774176, MONDO:0009917, OMIM 264350.

Allele frequency attached by ClinVar (database versions not stated): 1000 Genomes Project 30x 0.00109; 1000 Genomes Project 0.00120; gnomAD 0.00192 and 0.00197; TOPMed 0.00194.
gnomAD v4.1: 908 of 412,516 alleles (0.22%); highest among the groups gnomAD compares: Non-Finnish European, 0.34%; 3 homozygotes.

Submissions (2):

Illumina Laboratory Services, Illumina
Classification: Benign for Liddle syndrome 2. Last evaluated: 2018-01-13. Review status: criteria provided, single submitter. Criteria: ICSL Variant Classification Criteria 13 December 2019. Collection method: clinical testing. Allele origin: germline.
Comment: This variant was observed in the ICSL laboratory as part of a predisposition screen in an ostensibly healthy population. It had not been previously curated by ICSL or reported in the Human Gene Mutation Database (HGMD: prior to June 1st, 2018), and was therefore a candidate for classification through an automated scoring system. Utilizing variant allele frequency, disease prevalence and penetrance estimates, and inheritance mode, an automated score was calculated to assess if this variant is too frequent to cause the disease. Based on the score and internal cut-off values, a variant classified as benign is not then subjected to further curation. The score for this variant resulted in a classification of benign for this disease.

Illumina Laboratory Services, Illumina
Classification: Uncertain significance for Pseudohypoaldosteronism, type IB1, autosomal recessive. Last evaluated: 2018-01-13. Review status: criteria provided, single submitter. Criteria: ICSL Variant Classification Criteria 13 December 2019. Collection method: clinical testing. Allele origin: germline.

NM_001039.4(SCNN1G):c.*328G>A

Gene: SCNN1G (sodium channel epithelial 1 subunit gamma; plus strand). Cytogenetic location: 16p12.2.
Variant type: single nucleotide variant.
Coding change: c.*328G>A on transcript NM_001039.4 (MANE Select); 328 bases downstream of the stop codon, G replaced by A.
Molecular consequence: 3 prime UTR variant.
Genome position (GRCh38, 1-based): chr16:23,215,797, G>A. VCF-style: chr16-23215797-G-A. GRCh37 (hg19) VCF-style: chr16-23227118-G-A.
Identifiers: ClinVar variation 318366 (VCV000318366.5), dbSNP rs56153525, ClinGen allele CA10648096.
Genomic context (GRCh38, chr16:23,215,797, plus strand): 5'-GCCGAGGCAGTGGTGCTGGCCCAAGTGAAGGCCAGAGTGAGGACTGATGCAGCTCTTTAC[G>A]GGTCTTGAGAGGGAAGGACTCTTCCAAAGCCCCAAAGCCGAGGGTTTCACCCACACTGCC-3'